The following is an entry in ClinVar:

NM_004006.3(DMD):c.5251A>T (p.Lys1751Ter)

Gene: DMD (dystrophin; minus strand). Cytogenetic location: Xp21.1.
Variant type: single nucleotide variant.
Coding change: c.5251A>T on transcript NM_004006.3 (MANE Select); coding-DNA position 5251, A replaced by T.
Protein change: p.Lys1751Ter; replaces lysine 1751 with a stop codon.
Molecular consequence: nonsense.
Genome position (GRCh38, 1-based): chrX:32,362,862, T>A on the plus strand (A>T on the coding strand, the complement: DMD is on the minus strand). VCF-style: chrX-32362862-T-A. GRCh37 (hg19) VCF-style: chrX-32380979-T-A.
Other names: c.5227A>T, p.Lys1743Ter (NM_000109.4); c.5239A>T, p.Lys1747Ter (NM_004009.3); c.4882A>T, p.Lys1628Ter (NM_004010.3); c.1228A>T, p.Lys410Ter (NM_004011.4); c.1219A>T, p.Lys407Ter (NM_004012.4); short protein forms K1628*, K1743*, K1747*, K1751*, K407*, K410*.
Identifiers: ClinVar variation 1725030 (VCV001725030.3), dbSNP rs2522499933, ClinGen allele CA412671178.

ClinVar aggregate classification (germline): Likely pathogenic (1 of 4 stars; one submission).

Conditions:
Progressive muscular dystrophy. Identifiers: Orphanet 206644, MedGen C4551827, MONDO:0016106.

Submission:

Myriad Genetics, Inc.
Classification: Likely pathogenic for Progressive muscular dystrophy. Last evaluated: 2022-03-05. Review status: criteria provided, single submitter. Criteria: Myriad Autosomal Dominant, Autosomal Recessive and X-Linked Classification Criteria (2023). Collection method: clinical testing. Allele origin: unknown.
Comment: NM_004006.2(DMD):c.5251A>T(K1751*) is expected to be pathogenic in the context of dystrophinopathy (including Duchenne/Becker muscular dystrophy). This variant is predicted to lead to an abnormal or absent protein product due to the creation of a premature termination codon in DMD, a gene where loss-of-function variants are known to be pathogenic. Please note: this variant was assessed in the context of healthy population screening.